The following is an entry in ClinVar:

ClinVar aggregate classification (germline): Likely pathogenic (1 of 4 stars; one submission).

Submission:

Dasa
Classification: Likely pathogenic. Last evaluated: 2025-08-12. Review status: criteria provided, single submitter. Criteria: DASA Assertion Criteria. Collection method: clinical testing. Allele origin: germline.
Comment: NM_004453.4(ETFDH):c.1628delinsATA (p.Ser543Asnfs*5) is a frameshift variant in ETFDH predicted to alter the reading frame and introduce a premature termination codon and is predicted to result in an absent or altered protein product. Loss of function is an established disease mechanism for ETFDH-associated disorders. Also, this variant is absent from population databases. Based on the currently available evidence, this variant is classified as likely pathogenic.

NM_004453.4(ETFDH):c.1628delinsATA (p.Ser543fs)

Gene: ETFDH (electron transfer flavoprotein dehydrogenase; plus strand). Cytogenetic location: 4q32.1.
Variant type: Indel.
Coding change: c.1628delinsATA on transcript NM_004453.4 (MANE Select); coding-DNA position 1628, G replaced by ATA.
Protein change: p.Ser543fs; shifts the reading frame from serine 543.
Molecular consequence: frameshift variant.
Genome position (GRCh38, 1-based): chr4:158,706,788, G replaced by ATA. VCF-style: chr4-158706788-G-ATA. GRCh37 (hg19) VCF-style: chr4-159627940-G-ATA.
Other names: c.1487delinsATA, p.Ser496fs (NM_001281737.2); c.1445delinsATA, p.Ser482fs (NM_001281738.1); short protein forms S482fs, S496fs, S543fs.
Identifiers: ClinVar variation 4880671 (VCV004880671.2).